The following is an entry in ClinVar:

NM_020795.4(NLGN2):c.880_881delinsCT (p.Ala294Leu)

Gene: NLGN2 (neuroligin 2; plus strand). Cytogenetic location: 17p13.1.
Variant type: Indel.
Coding change: c.880_881delinsCT on transcript NM_020795.4 (MANE Select); coding-DNA positions 880 to 881, GC replaced by CT.
Protein change: p.Ala294Leu; replaces alanine 294 with leucine.
Molecular consequence: missense variant.
Genome position (GRCh38, 1-based): chr17:7,414,991-7,414,992, GC replaced by CT. VCF-style: chr17-7414991-GC-CT. GRCh37 (hg19) VCF-style: chr17-7318310-GC-CT.
Other names: short protein forms A294L.
Identifiers: ClinVar variation 4056849 (VCV004056849.1).

ClinVar aggregate classification (germline): Uncertain significance (1 of 4 stars; one submission).

Submission:

GeneDx
Classification: Uncertain significance. Last evaluated: 2025-01-14. Review status: criteria provided, single submitter. Criteria: GeneDx Variant Classification Process June 2021. Collection method: clinical testing. Allele origin: germline. Affected: yes.
Comment: Not observed in large population cohorts (gnomAD); In silico analysis supports a deleterious effect on protein structure/function; Has not been previously published as pathogenic or benign to our knowledge